The following is an entry in ClinVar:

ClinVar aggregate classification (germline): Uncertain significance. Review status: criteria provided, multiple submitters, no conflicts (2 of 4 stars). 2 submissions from 2 submitters: Uncertain significance (2). Last evaluated 2025-11-22.

Allele frequency attached by ClinVar (database versions not stated): gnomAD exomes below 0.00001.
gnomAD v4.1: 2 of 1,607,094 alleles (0.00012%); highest among the groups gnomAD compares: Middle Eastern, 0.017%; no homozygotes.

Submissions (2):

Labcorp Genetics (formerly Invitae), Labcorp
Classification: Uncertain significance. Last evaluated: 2025-11-22. Review status: criteria provided, single submitter. Criteria: Invitae Variant Classification Sherloc (09022015). Collection method: clinical testing. Allele origin: germline.
Comment: This sequence change replaces tyrosine, which is neutral and polar, with histidine, which is basic and polar, at codon 586 of the PDE6C protein (p.Tyr586His). This variant is not present in population databases (gnomAD no frequency). This variant has not been reported in the literature in individuals affected with PDE6C-related conditions. ClinVar contains an entry for this variant (Variation ID: 866134). Invitae Evidence Modeling of protein sequence and biophysical properties (such as structural, functional, and spatial information, amino acid conservation, physicochemical variation, residue mobility, and thermodynamic stability) has been performed for this missense variant. However, the output from this modeling did not meet the statistical confidence thresholds required to predict the impact of this variant on PDE6C protein function. In summary, the available evidence is currently insufficient to determine the role of this variant in disease. Therefore, it has been classified as a Variant of Uncertain Significance.

Blueprint Genetics
Classification: Uncertain significance. Last evaluated: 2024-06-10. Review status: criteria provided, single submitter. Criteria: ACMG Guidelines, 2015. Collection method: clinical testing. Allele origin: germline.

NM_006204.4(PDE6C):c.1756T>C (p.Tyr586His)

Gene: PDE6C (phosphodiesterase 6C; plus strand). Cytogenetic location: 10q23.33.
Variant type: single nucleotide variant.
Coding change: c.1756T>C on transcript NM_006204.4 (MANE Select); coding-DNA position 1756, T replaced by C.
Protein change: p.Tyr586His; replaces tyrosine 586 with histidine.
Molecular consequence: missense variant.
Genome position (GRCh38, 1-based): chr10:93,640,938, T>C. VCF-style: chr10-93640938-T-C. GRCh37 (hg19) VCF-style: chr10-95400695-T-C.
Other names: short protein forms Y586H.
Identifiers: ClinVar variation 866134 (VCV000866134.3), dbSNP rs2058556624, ClinGen allele CA377619005.